The following is an entry in ClinVar:

ClinVar aggregate classification (germline): Uncertain significance (1 of 4 stars; one submission).

Conditions:
Hereditary cancer-predisposing syndrome. Also called: Hereditary neoplastic syndrome; Hereditary Cancer Syndrome; Neoplastic Syndromes, Hereditary; Tumor predisposition. Identifiers: Orphanet 140162, MedGen C0027672, MeSH D009386, MONDO:0015356.

Submission:

Ambry Genetics
Classification: Uncertain significance for Hereditary cancer-predisposing syndrome. Last evaluated: 2015-01-08. Review status: criteria provided, single submitter. Criteria: Ambry Variant Classification Scheme 2023. Collection method: clinical testing. Allele origin: germline.
Comment: The p.F147I variant (also known as c.439T>A), located in coding exon 4 of the BARD1 gene, results from a T to A substitution at nucleotide position 439. The phenylalanine at codon 147 is replaced by isoleucine, an amino acid with highly similar properties. This variant was not reported in population based cohorts in the following databases: Database of Single Nucleotide Polymorphisms (dbSNP), NHLBI Exome Sequencing Project (ESP), and 1000 Genomes Project. In the ESP, this variant was not observed in 6502 samples (13004 alleles) with coverage at this position. To date, this alteration has been detected with an allele frequency of approximately 0.003% (greater than 40000 alleles tested) in our clinical cohort. This amino acid position is highly conserved in available vertebrate species. In addition, the in silico prediction for this alteration is inconclusive. Since supporting evidence is limited at this time, the clinical significance of p.F147I remains unclear.

NM_000465.4(BARD1):c.439T>A (p.Phe147Ile)

Gene: BARD1 (BRCA1 associated RING domain 1; minus strand). Cytogenetic location: 2q35.
Variant type: single nucleotide variant.
Coding change: c.439T>A on transcript NM_000465.4 (MANE Select); coding-DNA position 439, T replaced by A.
Protein change: p.Phe147Ile; replaces phenylalanine 147 with isoleucine.
Molecular consequence: missense variant. On other transcripts: non-coding transcript variant (2), intron variant (3).
Genome position (GRCh38, 1-based): chr2:214,781,435, A>T on the plus strand (T>A on the coding strand, the complement: BARD1 is on the minus strand). VCF-style: chr2-214781435-A-T. GRCh37 (hg19) VCF-style: chr2-215646159-A-T.
Other names: c.382T>A, p.Phe128Ile (NM_001282543.2); c.158+27977T>A (NM_001282548.2); c.215+15626T>A (NM_001282545.2); c.364+10862T>A (NM_001282549.2); short protein forms F147I, F128I.
Identifiers: ClinVar variation 229976 (VCV000229976.5), dbSNP rs876658313, ClinGen allele CA10577847.